The following is an entry in ClinVar:

NM_030948.6(PHACTR1):c.900C>T (p.Thr300=)

Gene: PHACTR1 (phosphatase and actin regulator 1; plus strand). Cytogenetic location: 6p24.1.
Variant type: single nucleotide variant.
Coding change: c.900C>T on transcript NM_030948.6 (MANE Select); coding-DNA position 900, C replaced by T.
Protein change: p.Thr300=; no amino-acid change (threonine 300 retained).
Molecular consequence: synonymous variant.
Genome position (GRCh38, 1-based): chr6:13,206,050, C>T. VCF-style: chr6-13206050-C-T. GRCh37 (hg19) VCF-style: chr6-13206282-C-T.
Other names: c.900C>T, p.Thr300= (NM_001242648.4, NM_001322308.3, NM_001322309.3 and 1 more transcripts); c.1107C>T, p.Thr369= (NM_001322310.2, NM_001374582.1); c.624C>T, p.Thr208= (NM_001322311.2, NM_001322312.3, NM_001374583.2); c.831C>T, p.Thr277= (NM_001322313.2); c.1110C>T, p.Thr370= (NM_001322314.4).
Identifiers: ClinVar variation 3060495 (VCV003060495.2), dbSNP rs73725623, ClinGen allele CA3639197.

ClinVar aggregate classification (germline): Benign (0 of 4 stars; one submission).

Conditions:
PHACTR1-related disorder. Also called: PHACTR1-related condition.

Allele frequency attached by ClinVar (database versions not stated): gnomAD exomes 0.02406; ExAC 0.04361; ESP Exome Variant Server 0.04616; gnomAD 0.04958; TOPMed 0.05669; 1000 Genomes Project 30x 0.09775; 1000 Genomes Project 0.10004.
gnomAD v4.1: 43,370 of 1,613,784 alleles (2.7%); highest among the groups gnomAD compares: East Asian, 22%; 1,904 homozygotes.

Submission:

PreventionGenetics, part of Exact Sciences
Classification: Benign for PHACTR1-related condition. Last evaluated: 2019-10-31. Review status: no assertion criteria provided. Collection method: clinical testing. Allele origin: germline.
Comment: This variant is classified as benign based on ACMG/AMP sequence variant interpretation guidelines (Richards et al. 2015 PMID: 25741868, with internal and published modifications).